The following is an entry in ClinVar:

NM_173508.4(SLC35F3):c.385C>G (p.Arg129Gly)

Gene: SLC35F3 (solute carrier family 35 member F3; plus strand). Cytogenetic location: 1q42.2.
Variant type: single nucleotide variant.
Coding change: c.385C>G on transcript NM_173508.4 (MANE Select); coding-DNA position 385, C replaced by G.
Protein change: p.Arg129Gly; replaces arginine 129 with glycine.
Molecular consequence: missense variant.
Genome position (GRCh38, 1-based): chr1:234,231,518, C>G. VCF-style: chr1-234231518-C-G. GRCh37 (hg19) VCF-style: chr1-234367264-C-G.
Other names: c.178C>G, p.Arg60Gly (NM_001300845.2); short protein forms R129G, R60G.
Identifiers: ClinVar variation 1229023 (VCV001229023.4), dbSNP rs34032258, ClinGen allele CA1459621.

ClinVar aggregate classification (germline): Benign. Review status: criteria provided, multiple submitters, no conflicts (2 of 4 stars). 2 submissions from 2 submitters: Benign (2). Last evaluated 2021-02-25.

Allele frequency attached by ClinVar (database versions not stated): ESP Exome Variant Server 0.00069; gnomAD 0.00800 and 0.00817; ExAC 0.01046; 1000 Genomes Project 0.01178; 1000 Genomes Project 30x 0.01218; TOPMed 0.01317.
gnomAD v4.1: 6,193 of 1,613,862 alleles (0.38%); highest among the groups gnomAD compares: Admixed American, 8.5%; 269 homozygotes.

Submissions (2):

GeneDx
Classification: Benign. Last evaluated: 2021-02-25. Review status: criteria provided, single submitter. Criteria: GeneDx Variant Classification Process June 2021. Collection method: clinical testing. Allele origin: germline. Affected: yes.
Comment: This variant is associated with the following publications: (PMID: 27379158)

Breakthrough Genomics
Classification: Benign. Review status: criteria provided, single submitter. Criteria: ACMG Guidelines, 2015. Collection method: not provided. Allele origin: germline. Inheritance: Unknown mechanism. Affected: yes.